The following is an entry in ClinVar:

ClinVar aggregate classification (germline): Uncertain significance (1 of 4 stars; one submission).

Conditions:
Beckwith-Wiedemann syndrome (BWS). Also called: EMG SYNDROME; Exomphalos macroglossia gigantism syndrome. Identifiers: Orphanet 116, MedGen C0004903, MONDO:0007534, OMIM 130650.

Submission:

Labcorp Genetics (formerly Invitae), Labcorp
Classification: Uncertain significance for Beckwith-Wiedemann syndrome. Last evaluated: 2024-04-05. Review status: criteria provided, single submitter. Criteria: Invitae Variant Classification Sherloc (09022015). Collection method: clinical testing. Allele origin: germline.
Comment: This sequence change replaces phenylalanine, which is neutral and non-polar, with leucine, which is neutral and non-polar, at codon 21 of the CDKN1C protein (p.Phe21Leu). This variant is not present in population databases (gnomAD no frequency). This variant has not been reported in the literature in individuals affected with CDKN1C-related conditions. ClinVar contains an entry for this variant (Variation ID: 642387). Advanced modeling of protein sequence and biophysical properties (such as structural, functional, and spatial information, amino acid conservation, physicochemical variation, residue mobility, and thermodynamic stability) performed at Invitae indicates that this missense variant is not expected to disrupt CDKN1C protein function with a negative predictive value of 80%. In summary, the available evidence is currently insufficient to determine the role of this variant in disease. Therefore, it has been classified as a Variant of Uncertain Significance.

NM_001122630.2(CDKN1C):c.28T>C (p.Phe10Leu)

Gene: CDKN1C (cyclin dependent kinase inhibitor 1C; minus strand). Cytogenetic location: 11p15.4.
Variant type: single nucleotide variant.
Coding change: c.28T>C on transcript NM_001122630.2 (MANE Select); coding-DNA position 28, T replaced by C.
Protein change: p.Phe10Leu; replaces phenylalanine 10 with leucine.
Molecular consequence: missense variant.
Genome position (GRCh38, 1-based): chr11:2,885,429, A>G on the plus strand (T>C on the coding strand, the complement: CDKN1C is on the minus strand). VCF-style: chr11-2885429-A-G. GRCh37 (hg19) VCF-style: chr11-2906659-A-G.
Other names: c.61T>C, p.Phe21Leu (LRG_533t1, NM_000076.2, NM_001362474.2); c.28T>C, p.Phe10Leu (NM_001122631.2, NM_001362475.2); short protein forms F21L, F10L.
Identifiers: ClinVar variation 642387 (VCV000642387.10), dbSNP rs1590151638, ClinGen allele CA379147904.